The following is an entry in ClinVar:

NM_001672.3(ASIP):c.19C>G (p.Leu7Val)

Genes: AHCY (adenosylhomocysteinase; minus strand), ASIP (agouti signaling protein; plus strand). Cytogenetic location: 20q11.22.
Variant type: single nucleotide variant.
Coding change: c.19C>G on transcript NM_001672.3 (MANE Select); coding-DNA position 19, C replaced by G.
Protein change: p.Leu7Val; replaces leucine 7 with valine.
Molecular consequence: missense variant.
Genome position (GRCh38, 1-based): chr20:34,260,393, C>G. VCF-style: chr20-34260393-C-G. GRCh37 (hg19) VCF-style: chr20-32848199-C-G.
Other names: c.19C>G, p.Leu7Val (NM_001385218.1); short protein forms L7V.
Identifiers: ClinVar variation 4982231 (VCV004982231.1).

ClinVar aggregate classification (germline): Uncertain significance (1 of 4 stars; one submission).

Conditions:
ASIP-related condition.

gnomAD v4.1: 10 of 1,613,814 alleles (0.00062%); highest among the groups gnomAD compares: Non-Finnish European, 0.00085%; no homozygotes.

Submission:

PreventionGenetics, part of Exact Sciences
Classification: Uncertain significance for ASIP-related condition. Last evaluated: 2025-06-18. Review status: criteria provided, single submitter. Criteria: ACMG Guidelines, 2015. Collection method: clinical testing. Allele origin: germline.
Comment: The ASIP c.19C>G variant is predicted to result in the amino acid substitution p.Leu7Val. To our knowledge, this variant has not been reported in the literature or in a large population database (gnomAD), indicating this variant is rare. At this time, the clinical significance of this variant is uncertain due to the absence of conclusive functional and genetic evidence.